The following is an entry in ClinVar:

ClinVar aggregate classification (germline): Uncertain significance. Review status: criteria provided, multiple submitters, no conflicts (2 of 4 stars). 3 submissions from 3 submitters: Uncertain significance (3). Last evaluated 2022-07-26.

Conditions:
Hypoparathyroidism-retardation-dysmorphism syndrome (HRDS). Also called: SANJAD-SAKATI SYNDROME. Identifiers: Orphanet 2323, MedGen C1855840, MONDO:0009426, OMIM 241410.

Allele frequency attached by ClinVar (database versions not stated): gnomAD below 0.00001 and 0.00001; gnomAD exomes below 0.00001; TOPMed below 0.00001; ExAC 0.00001.
gnomAD v4.1: 12 of 1,614,040 alleles (0.00074%); highest among the groups gnomAD compares: South Asian, 0.011%; no homozygotes.

Submissions (3):

Labcorp Genetics (formerly Invitae), Labcorp
Classification: Uncertain significance. Last evaluated: 2022-07-26. Review status: criteria provided, single submitter. Criteria: Invitae Variant Classification Sherloc (09022015). Collection method: clinical testing. Allele origin: germline.
Comment: This sequence change replaces tyrosine, which is neutral and polar, with cysteine, which is neutral and slightly polar, at codon 418 of the TBCE protein (p.Tyr418Cys). This variant is present in population databases (rs750744949, gnomAD 0.0009%). This variant has not been reported in the literature in individuals affected with TBCE-related conditions. ClinVar contains an entry for this variant (Variation ID: 296308). Algorithms developed to predict the effect of missense changes on protein structure and function are either unavailable or do not agree on the potential impact of this missense change (SIFT: "Deleterious"; PolyPhen-2: "Probably Damaging"; Align-GVGD: "Class C0"). In summary, the available evidence is currently insufficient to determine the role of this variant in disease. Therefore, it has been classified as a Variant of Uncertain Significance.

Revvity Omics, Revvity
Classification: Uncertain significance. Last evaluated: 2019-02-20. Review status: criteria provided, single submitter. Criteria: ACMG Guidelines, 2015. Collection method: clinical testing. Allele origin: germline.

Illumina Laboratory Services, Illumina
Classification: Uncertain significance for Hypoparathyroidism-retardation-dysmorphism syndrome. Last evaluated: 2018-01-12. Review status: criteria provided, single submitter. Criteria: ICSL Variant Classification Criteria 13 December 2019. Collection method: clinical testing. Allele origin: germline.

NM_003193.5(TBCE):c.1253A>G (p.Tyr418Cys)

Gene: TBCE (tubulin folding cofactor E; plus strand). Cytogenetic location: 1q42.3.
Variant type: single nucleotide variant.
Coding change: c.1253A>G on transcript NM_003193.5 (MANE Select); coding-DNA position 1253, A replaced by G.
Protein change: p.Tyr418Cys; replaces tyrosine 418 with cysteine.
Molecular consequence: missense variant.
Genome position (GRCh38, 1-based): chr1:235,438,905, A>G. VCF-style: chr1-235438905-A-G. GRCh37 (hg19) VCF-style: chr1-235602220-A-G.
Other names: c.1253A>G, p.Tyr418Cys (NM_001079515.3); c.1406A>G, p.Tyr469Cys (NM_001287801.2); c.914A>G, p.Tyr305Cys (NM_001287802.2); short protein forms Y418C, Y305C, Y469C.
Identifiers: ClinVar variation 296308 (VCV000296308.9), dbSNP rs750744949, ClinGen allele CA1464385.
Genomic context (GRCh38, chr1:235,438,905, plus strand): 5'-GACATAAGGATCCGGAAAAAAACAGACTCAGCGAAGAATTCCTCACAGCCCATCCCAGAT[A>G]CCAGTTCCTCTGCCTGAGTACGTGCGTATACACTGGTGGCCTTCAGGTGGTGGATTTCCA-3'
Protein context (NP_003184.1, residues 408-428): SEEFLTAHPR[Tyr418Cys]QFLCLKYGAP